The following is an entry in ClinVar:

NM_001083603.3(PTCH1):c.91del (p.Tyr31fs)

Gene: PTCH1 (patched 1; minus strand). Cytogenetic location: 9q22.32.
Variant type: Deletion.
Coding change: c.91del on transcript NM_001083603.3 (MANE Plus Clinical); coding-DNA position 91, one base deleted (T; older notation c.91delT).
Protein change: p.Tyr31fs; shifts the reading frame from tyrosine 31.
Molecular consequence: frameshift variant. On other transcripts: 5 prime UTR variant (2).
Genome position (GRCh38, 1-based): chr9:95,516,730, A deleted on the plus strand (T on the coding strand, the reverse complement: PTCH1 is on the minus strand); the first of 5 consecutive A bases (chr9:95,516,730-95,516,734); deleting any one gives the same sequence. VCF-style (leftmost placement, unchanged base first): chr9-95516729-TA-T. GRCh37 (hg19) VCF-style: chr9-98279011-TA-T.
Other names: c.-259del (NM_001083602.3, NM_001354919.2); short protein forms Y31fs.
Identifiers: ClinVar variation 2444195 (VCV002444195.1), dbSNP rs1844383228, ClinGen allele CA1865626008.
Genomic context (GRCh38, chr9:95,516,729, plus strand): 5'-CCTCCGTTTTCTTCTTCTTCTTCTCCTCCTCCTCCGTCTTTACAAAAGGAACGGAAAGTG[TA>T]AAAACCCCGGCGCGCTGGGCCGCCGGAGGCTTTCGGCGGAGTGCAGCGCGGACTCACAAT-3'

ClinVar aggregate classification (germline): Likely pathogenic (1 of 4 stars; one submission).

Conditions:
Gorlin syndrome. Also called: Nevoid Basal Cell Carcinoma Syndrome; Basal cell nevus syndrome. Identifiers: Orphanet 377, MedGen C0004779, MONDO:0007187.

Submission:

3billion
Classification: Likely pathogenic for Basal cell nevus syndrome 1. Last evaluated: 2023-02-23. Review status: criteria provided, single submitter. Criteria: ACMG Guidelines, 2015. Collection method: clinical testing. Allele origin: unknown. Affected: yes.
Comment: The variant is not observed in the gnomAD v2.1.1 dataset. This variant was predicted to result in a loss or disruption of normal protein function through nonsense-mediated decay (NMD) or protein truncation. Multiple pathogenic variants are reported downstream of the variant. Therefore, this variant is classified as Likely pathogenic according to the recommendation of ACMG/AMP guideline.